The following is an entry in ClinVar:

ClinVar aggregate classification (germline): Likely pathogenic. Review status: criteria provided, multiple submitters, no conflicts (2 of 4 stars). 2 submissions from 2 submitters: Likely pathogenic (2). Last evaluated 2023-04-21.

Conditions:
FLNA-related disorder.
Heterotopia, periventricular, X-linked dominant (PVNH1). Also called: PERIVENTRICULAR NODULAR HETEROTOPIA 1; PERIVENTRICULAR NODULAR HETEROTOPIA 4; HETEROTOPIA, PERIVENTRICULAR, 1; X-linked periventricular heterotopia. Identifiers: Orphanet 2149, Orphanet 82004, MedGen C1848213, MONDO:0010233, OMIM 300049.

Submissions (2):

Laboratorio de Genética Hospitales Universitarios Virgen de las Nieves y Clínico San Cecilio (Granada, Spain), Hospitales Universitarios Virgen de las Nieves y Clínico San Cecilio (Granada, Spain)
Classification: Likely pathogenic for Heterotopia, periventricular, X-linked dominant. Last evaluated: 2023-04-21. Review status: criteria provided, single submitter. Criteria: ACMG Guidelines, 2015. Collection method: clinical testing. Allele origin: germline. Inheritance: Autosomal dominant inheritance. Affected: yes. Observed: 2 variant alleles.
Comment: ACMG 2015 Criteria: PVS1, PMS2

Blueprint Genetics
Classification: Likely pathogenic for FLNA-related disorders. Last evaluated: 2021-07-28. Review status: criteria provided, single submitter. Criteria: ACMG Guidelines, 2015. Collection method: clinical testing. Allele origin: germline. Affected: yes. Observed: 1 variant allele.

NM_001110556.2(FLNA):c.3544C>T (p.Gln1182Ter)

Gene: FLNA (filamin A; minus strand). Cytogenetic location: Xq28.
Variant type: single nucleotide variant.
Coding change: c.3544C>T on transcript NM_001110556.2 (MANE Select); coding-DNA position 3544, C replaced by T.
Protein change: p.Gln1182Ter; replaces glutamine 1182 with a stop codon.
Molecular consequence: nonsense.
Genome position (GRCh38, 1-based): chrX:154,360,251, G>A on the plus strand (C>T on the coding strand, the complement: FLNA is on the minus strand). VCF-style: chrX-154360251-G-A. GRCh37 (hg19) VCF-style: chrX-153588619-G-A.
Other names: c.3544C>T, p.Gln1182Ter (NM_001456.4); short protein forms Q1182*.
Identifiers: ClinVar variation 2499512 (VCV002499512.2), dbSNP rs2522741003, ClinGen allele CA415224550.